The following is an entry in ClinVar:

ClinVar aggregate classification (germline): Conflicting classifications of pathogenicity. Review status: criteria provided, conflicting classifications (1 of 4 stars). 8 submissions from 7 submitters: Uncertain significance (6); Likely benign (1). 1 of the submissions does not count toward it. Last evaluated 2024-11-19.

Conditions:
Hereditary hyperinsulinism.
Transitory neonatal diabetes mellitus. Also called: Transient neonatal diabetes mellitus. Identifiers: MedGen C0342273, MONDO:0020525, HP:0008255.
Maturity-onset diabetes of the young (MODY). Also called: Maturity onset diabetes mellitus in young. Identifiers: Orphanet 552, MedGen C0342276, MONDO:0018911, HP:0004904.
Hyperinsulinemic hypoglycemia, familial, 1 (HHF1). Also called: Persistent hyperinsulinemic hypoglycemia of infancy; Persistent Hyperinsulinemia Hypoglycemia of Infancy; HYPERINSULINISM, FAMILIAL, WITH PANCREATIC NESIDIOBLASTOSIS; HYPOGLYCEMIA, HYPERINSULINEMIC, OF INFANCY; NESIDIOBLASTOSIS OF PANCREAS. Identifiers: Orphanet 276575, Orphanet 276598, MedGen C2931832, MONDO:0009734, OMIM 256450.
Leucine-induced hypoglycemia (LIH). Also called: LEUCINE-SENSITIVE HYPOGLYCEMIA OF INFANCY. Identifiers: MedGen C0271714, MONDO:0009415, OMIM 240800.
Diabetes mellitus, permanent neonatal 3. Also called: ABCC8-Related Permanent Neonatal Diabetes Mellitus. Identifiers: MedGen C5394303, MONDO:0030088, OMIM 618857.
Diabetes mellitus, transient neonatal, 2 (TNDM2). Identifiers: Orphanet 99886, MedGen C1835887, MONDO:0012480, OMIM 610374. Disease mechanism: loss of function.
Type 2 diabetes mellitus. Also called: Type II diabetes mellitus. Identifiers: MedGen C0011860, MeSH D003924, MONDO:0005148, OMIM 125853, HP:0005978.

Allele frequency attached by ClinVar (database versions not stated): ExAC 0.00002; gnomAD exomes 0.00002 and 0.00005; gnomAD 0.00006; TOPMed 0.00006; ESP Exome Variant Server 0.00015.
gnomAD v4.1: 33 of 1,613,984 alleles (0.002%); highest among the groups gnomAD compares: African/African-American, 0.008%; no homozygotes.

Submissions (8):

Labcorp Genetics (formerly Invitae), Labcorp
Classification: Uncertain significance. Last evaluated: 2024-11-19. Review status: criteria provided, single submitter. Criteria: Invitae Variant Classification Sherloc (09022015). Collection method: clinical testing. Allele origin: germline.
Comment: This sequence change replaces arginine, which is basic and polar, with histidine, which is basic and polar, at codon 1578 of the ABCC8 protein (p.Arg1578His). This variant is present in population databases (rs143557848, gnomAD 0.006%). This missense change has been observed in individual(s) with diabetes (PMID: 32027066). This variant is also known as c.4736G>A p.Arg1579His. ClinVar contains an entry for this variant (Variation ID: 804493). An algorithm developed to predict the effect of missense changes on protein structure and function outputs the following: PolyPhen-2: "Benign". The histidine amino acid residue is found in multiple mammalian species, which suggests that this missense change does not adversely affect protein function. In summary, the available evidence is currently insufficient to determine the role of this variant in disease. Therefore, it has been classified as a Variant of Uncertain Significance.

Fulgent Genetics
Classification: Uncertain significance for Type 2 diabetes mellitus; Leucine-induced hypoglycemia; Hyperinsulinemic hypoglycemia, familial, 1; Diabetes mellitus, transient neonatal, 2; Diabetes mellitus, permanent neonatal 3. Last evaluated: 2024-04-03. Review status: criteria provided, single submitter. Criteria: ACMG Guidelines, 2015. Collection method: clinical testing. Allele origin: germline.

GeneDx
Classification: Uncertain significance. Last evaluated: 2021-04-12. Review status: criteria provided, single submitter. Criteria: GeneDx Variant Classification Process June 2021. Collection method: clinical testing. Allele origin: germline. Affected: yes.
Comment: In silico analysis supports that this missense variant has a deleterious effect on protein structure/function; Has not been previously published as pathogenic or benign to our knowledge

Athena Diagnostics
Classification: Uncertain significance. Last evaluated: 2018-10-23. Review status: criteria provided, single submitter. Criteria: Athena Diagnostics Criteria. Collection method: clinical testing. Allele origin: germline.

Genetic Services Laboratory, University of Chicago
Classification: Likely benign. Last evaluated: 2018-08-17. Review status: criteria provided, single submitter. Criteria: ACMG Guidelines, 2015. Collection method: clinical testing. Allele origin: germline. Affected: no.

Clinical Genomics, Uppaluri K&H Personalized Medicine Clinic
Classification: Uncertain significance for Maturity-onset diabetes of the young. Review status: criteria provided, single submitter. Criteria: K & H Uppaluri Personalized Medicine Clinic Variant Classification & Assertion Criteria_Updated V.1. Collection method: research. Allele origin: somatic. Inheritance: Somatic mutation.
Comment: Mutations in ABCC8 gene are associated with both neonatal diabetes mellitus as well as MODY. Patients with this mutation may have a better response to sulfonylureas. However, no sufficient evidence is found to ascertain the role of this particular variant (rs143557848 ) in MODY yet.

Clinical Genomics, Uppaluri K&H Personalized Medicine Clinic
Classification: Uncertain significance for Transitory neonatal diabetes mellitus. Review status: criteria provided, single submitter. Criteria: K & H Uppaluri Personalized Medicine Clinic Variant Classification & Assertion Criteria_Updated V.1. Collection method: research. Allele origin: somatic. Inheritance: Somatic mutation.
Comment: Mutations in ABCC8 gene are associated with both neonatal diabetes mellitus as well as MODY. Patients with this mutation may have a better response to sulfonylureas. However, no sufficient evidence is found to ascertain the role of this particular variant ( rs143557848 ) in neonatal diabetes yet.

Natera, Inc.
Classification: Uncertain significance for Hereditary hyperinsulinism. Last evaluated: 2020-02-17. Review status: no assertion criteria provided. Collection method: clinical testing. Allele origin: germline. Not counted in ClinVar's aggregate classification.

Literature cited by the submitters: PubMed 32027066 (cited by Labcorp Genetics (formerly Invitae), Labcorp and Clinical Genomics, Uppaluri K&H Personalized Medicine Clinic); PubMed 16885549 (cited by Clinical Genomics, Uppaluri K&H Personalized Medicine Clinic); PubMed 21989597 (cited by Clinical Genomics, Uppaluri K&H Personalized Medicine Clinic); PubMed 27538677 (cited by Clinical Genomics, Uppaluri K&H Personalized Medicine Clinic); PubMed 18981553 (cited by Clinical Genomics, Uppaluri K&H Personalized Medicine Clinic); PubMed 16613899 (cited by Clinical Genomics, Uppaluri K&H Personalized Medicine Clinic); PubMed 18025408 (cited by Clinical Genomics, Uppaluri K&H Personalized Medicine Clinic); PubMed 32792356 (cited by Clinical Genomics, Uppaluri K&H Personalized Medicine Clinic).

NM_000352.6(ABCC8):c.4733G>A (p.Arg1578His)

Gene: ABCC8 (ATP binding cassette subfamily C member 8; minus strand). Cytogenetic location: 11p15.1.
Variant type: single nucleotide variant.
Coding change: c.4733G>A on transcript NM_000352.6 (MANE Select); coding-DNA position 4733, G replaced by A.
Protein change: p.Arg1578His; replaces arginine 1578 with histidine.
Molecular consequence: missense variant. On other transcripts: non-coding transcript variant (1).
Genome position (GRCh38, 1-based): chr11:17,393,004, C>T on the plus strand (G>A on the coding strand, the complement: ABCC8 is on the minus strand). VCF-style: chr11-17393004-C-T. GRCh37 (hg19) VCF-style: chr11-17414551-C-T.
Other names: c.4736G>A, p.Arg1579His (NM_001287174.3); c.4799G>A, p.Arg1600His (NM_001351295.2); c.4733G>A, p.Arg1578His (NM_001351296.2); c.4730G>A, p.Arg1577His (NM_001351297.2); short protein forms R1578H, R1579H, R1577H, R1600H.
Identifiers: ClinVar variation 804493 (VCV000804493.12), dbSNP rs143557848, ClinGen allele CA5902374.